The following is an entry in ClinVar:

NM_000091.5(COL4A3):c.425G>A (p.Gly142Asp)

Genes: COL4A3 (collagen type IV alpha 3 chain; plus strand), MFF-DT (MFF divergent transcript; minus strand). Cytogenetic location: 2q36.3.
Variant type: single nucleotide variant.
Coding change: c.425G>A on transcript NM_000091.5 (MANE Select); coding-DNA position 425, G replaced by A.
Protein change: p.Gly142Asp; replaces glycine 142 with aspartic acid.
Molecular consequence: missense variant.
Genome position (GRCh38, 1-based): chr2:227,246,722, G>A. VCF-style: chr2-227246722-G-A. GRCh37 (hg19) VCF-style: chr2-228111438-G-A.
Other names: short protein forms G142D.
Identifiers: ClinVar variation 3911945 (VCV003911945.2).

ClinVar aggregate classification (germline): Uncertain significance (1 of 4 stars; one submission).

Submission:

Women's Health and Genetics/Laboratory Corporation of America, LabCorp
Classification: Uncertain significance. Last evaluated: 2025-07-03. Review status: criteria provided, single submitter. Criteria: LabCorp Variant Classification Summary - May 2015. Collection method: clinical testing. Allele origin: germline.
Comment: Variant summary: COL4A3 c.425G>A (p.Gly142Asp) results in a non-conservative amino acid change located in the Collagen triple helix repeat (20 copies) (IPR008160) of the encoded protein sequence. Algorithms developed to predict the effect of missense changes on protein structure and function all suggest that this variant is likely to be disruptive. The variant was absent in 280674 control chromosomes. The available data on variant occurrences in the general population are insufficient to allow any conclusion about variant significance. To our knowledge, no occurrence of c.425G>A in individuals affected with Alport Syndrome, Autosomal Recessive and no experimental evidence demonstrating its impact on protein function have been reported. No submitters have cited clinical-significance assessments for this variant to ClinVar. Based on the evidence outlined above, the variant was classified as uncertain significance.